The following is an entry in ClinVar:

ClinVar aggregate classification (germline): Uncertain significance (1 of 4 stars; one submission).

Conditions:
Inborn genetic diseases. Identifiers: MedGen C0950123, MeSH D030342.

gnomAD v4.1: 1 of 1,612,982 alleles (0.000062%); highest among the groups gnomAD compares: Non-Finnish European, 0.000085%; no homozygotes.

Submission:

Ambry Genetics
Classification: Uncertain significance for Inborn genetic diseases. Last evaluated: 2026-06-03. Review status: criteria provided, single submitter. Criteria: Ambry Variant Classification Scheme 2023. Collection method: clinical testing. Allele origin: germline.
Comment: The p.N130D variant (also known as c.388A>G), located in coding exon 3 of the BMPR2 gene, results from an A to G substitution at nucleotide position 388. The asparagine at codon 130 is replaced by aspartic acid, an amino acid with highly similar properties. This amino acid position is conserved. In addition, the in silico prediction for this alteration is inconclusive. Based on the available evidence, the clinical significance of this variant remains unclear.

NM_001204.7(BMPR2):c.388A>G (p.Asn130Asp)

Gene: BMPR2 (bone morphogenetic protein receptor type 2; plus strand). Cytogenetic location: 2q33.1.
Variant type: single nucleotide variant.
Coding change: c.388A>G on transcript NM_001204.7 (MANE Select); coding-DNA position 388, A replaced by G.
Protein change: p.Asn130Asp; replaces asparagine 130 with aspartic acid.
Molecular consequence: missense variant.
Genome position (GRCh38, 1-based): chr2:202,467,659, A>G. VCF-style: chr2-202467659-A-G. GRCh37 (hg19) VCF-style: chr2-203332382-A-G.
Other names: short protein forms N130D.
Identifiers: ClinVar variation 4867651 (VCV004867651.1).
Genomic context (GRCh38, chr2:202,467,659, plus strand): 5'-AATGGAACATACCGTTTCTGCTGTTGTAGCACAGATTTATGTAATGTCAACTTTACTGAG[A>G]ATTTTCCACCTCCTGACACAACACCACTCAGTAAGTAAAGTAACCAACTTTTCTTTGTAT-3'
Protein context (NP_001195.2, residues 120-140): TDLCNVNFTE[Asn130Asp]FPPPDTTPLS